The following is an entry in ClinVar:

ClinVar aggregate classification (germline): Benign. Review status: criteria provided, single submitter (1 of 4 stars). 2 submissions from 2 submitters: Benign (1). 1 of the submissions does not count toward it. Last evaluated 2026-02-04.

Conditions:
CCDC88C-related disorder. Also called: CCDC88C-Related Disorders; CCDC88C-related condition.

Allele frequency attached by ClinVar (database versions not stated): gnomAD exomes 0.00003 and 0.00015; gnomAD 0.00007 and 0.00008; TOPMed 0.00011; 1000 Genomes Project 30x 0.00016; 1000 Genomes Project 0.00020; ExAC 0.00021.
gnomAD v4.1: 71 of 1,606,478 alleles (0.0044%); highest among the groups gnomAD compares: East Asian, 0.098%; 1 homozygote.

Submissions (2):

Labcorp Genetics (formerly Invitae), Labcorp
Classification: Benign. Last evaluated: 2026-02-04. Review status: criteria provided, single submitter. Criteria: Invitae Variant Classification Sherloc (09022015). Collection method: clinical testing. Allele origin: germline.

PreventionGenetics, part of Exact Sciences
Classification: Likely benign for CCDC88C-related condition. Last evaluated: 2019-11-26. Review status: no assertion criteria provided. Collection method: clinical testing. Allele origin: germline. Not counted in ClinVar's aggregate classification.
Comment: This variant is classified as likely benign based on ACMG/AMP sequence variant interpretation guidelines (Richards et al. 2015 PMID: 25741868, with internal and published modifications).

NM_001080414.4(CCDC88C):c.336G>A (p.Leu112=)

Gene: CCDC88C (coiled-coil and HOOK domain protein 88C; minus strand). Cytogenetic location: 14q32.11.
Variant type: single nucleotide variant.
Coding change: c.336G>A on transcript NM_001080414.4 (MANE Select); coding-DNA position 336, G replaced by A.
Protein change: p.Leu112=; no amino-acid change (leucine 112 retained).
Molecular consequence: synonymous variant.
Genome position (GRCh38, 1-based): chr14:91,359,646, C>T on the plus strand (G>A on the coding strand, the complement: CCDC88C is on the minus strand). VCF-style: chr14-91359646-C-T. GRCh37 (hg19) VCF-style: chr14-91825990-C-T.
Identifiers: ClinVar variation 782882 (VCV000782882.8), dbSNP rs142197686, ClinGen allele CA7310300.